The following is an entry in ClinVar:

NM_005431.2(XRCC2):c.160A>G (p.Lys54Glu)

Gene: XRCC2 (X-ray repair cross complementing 2; minus strand). Cytogenetic location: 7q36.1.
Variant type: single nucleotide variant.
Coding change: c.160A>G on transcript NM_005431.2 (MANE Select); coding-DNA position 160, A replaced by G.
Protein change: p.Lys54Glu; replaces lysine 54 with glutamic acid.
Molecular consequence: missense variant.
Genome position (GRCh38, 1-based): chr7:152,649,325, T>C on the plus strand (A>G on the coding strand, the complement: XRCC2 is on the minus strand). VCF-style: chr7-152649325-T-C. GRCh37 (hg19) VCF-style: chr7-152346410-T-C.
Other names: c.160A>G (NM_005431.1); short protein forms K54E.
Identifiers: ClinVar variation 1480453 (VCV001480453.10), dbSNP rs2116988427, ClinGen allele CA370199299.

ClinVar aggregate classification (germline): Uncertain significance. Review status: criteria provided, multiple submitters, no conflicts (2 of 4 stars). 2 submissions from 2 submitters: Uncertain significance (2). Last evaluated 2025-01-09.

Conditions:
Hereditary cancer-predisposing syndrome. Also called: Tumor predisposition; Hereditary Cancer Syndrome; Hereditary neoplastic syndrome; Neoplastic Syndromes, Hereditary. Identifiers: Orphanet 140162, MedGen C0027672, MeSH D009386, MONDO:0015356.

Submissions (2):

Ambry Genetics
Classification: Uncertain significance for Hereditary cancer-predisposing syndrome. Last evaluated: 2025-01-09. Review status: criteria provided, single submitter. Criteria: Ambry Variant Classification Scheme 2023. Collection method: clinical testing. Allele origin: germline.
Comment: The p.K54E variant (also known as c.160A>G), located in coding exon 3 of the XRCC2 gene, results from an A to G substitution at nucleotide position 160. The lysine at codon 54 is replaced by glutamic acid, an amino acid with similar properties. This amino acid position is conserved. In addition, this alteration is predicted to be deleterious by in silico analysis. Since supporting evidence is limited at this time, the clinical significance of this alteration remains unclear.

Labcorp Genetics (formerly Invitae), Labcorp
Classification: Uncertain significance. Last evaluated: 2024-03-06. Review status: criteria provided, single submitter. Criteria: Invitae Variant Classification Sherloc (09022015). Collection method: clinical testing. Allele origin: germline.
Comment: This sequence change replaces lysine, which is basic and polar, with glutamic acid, which is acidic and polar, at codon 54 of the XRCC2 protein (p.Lys54Glu). This variant is not present in population databases (gnomAD no frequency). This variant has not been reported in the literature in individuals affected with XRCC2-related conditions. ClinVar contains an entry for this variant (Variation ID: 1480453). Advanced modeling of protein sequence and biophysical properties (such as structural, functional, and spatial information, amino acid conservation, physicochemical variation, residue mobility, and thermodynamic stability) performed at Invitae indicates that this missense variant is expected to disrupt XRCC2 protein function with a positive predictive value of 80%. In summary, the available evidence is currently insufficient to determine the role of this variant in disease. Therefore, it has been classified as a Variant of Uncertain Significance.